The following is an entry in ClinVar:

ClinVar aggregate classification (germline): Uncertain significance. Review status: criteria provided, multiple submitters, no conflicts (2 of 4 stars). 3 submissions from 3 submitters: Uncertain significance (3). Last evaluated 2023-10-08.

Conditions:
Hereditary cancer-predisposing syndrome. Also called: Tumor predisposition; Neoplastic Syndromes, Hereditary; Hereditary neoplastic syndrome; Hereditary Cancer Syndrome. Identifiers: Orphanet 140162, MedGen C0027672, MeSH D009386, MONDO:0015356.

gnomAD v4.1: 1 of 1,609,210 alleles (0.000062%); highest among the groups gnomAD compares: Non-Finnish European, 0.000085%; no homozygotes.

Submissions (3):

Ambry Genetics
Classification: Uncertain significance for Hereditary cancer-predisposing syndrome. Last evaluated: 2023-10-08. Review status: criteria provided, single submitter. Criteria: Ambry Variant Classification Scheme 2023. Collection method: clinical testing. Allele origin: germline.
Comment: The p.L1057F variant (also known as c.3171G>T), located in coding exon 4 of the MSH6 gene, results from a G to T substitution at nucleotide position 3171. The leucine at codon 1057 is replaced by phenylalanine, an amino acid with highly similar properties. This amino acid position is conserved. In addition, the in silico prediction for this alteration is inconclusive. Since supporting evidence is limited at this time, the clinical significance of this alteration remains unclear.

GeneDx
Classification: Uncertain significance. Last evaluated: 2019-07-31. Review status: criteria provided, single submitter. Criteria: GeneDx Variant Classification Process June 2021. Collection method: clinical testing. Allele origin: germline. Affected: yes.
Comment: Not observed in large population cohorts (Lek et al., 2016); In silico analysis, which includes protein predictors and evolutionary conservation, supports a deleterious effect; This variant is associated with the following publications: (PMID: 22949387)

Women's Health and Genetics/Laboratory Corporation of America, LabCorp
Classification: Uncertain significance. Last evaluated: 2017-07-28. Review status: criteria provided, single submitter. Criteria: LabCorp Variant Classification Summary - May 2015. Collection method: clinical testing. Allele origin: germline.
Comment: Variant summary: The MSH6 c.3171G>T (p.Leu1057Phe) variant involves the alteration of a non-conserved nucleotide. 3/5 in silico tools predict a damaging outcome for this variant. The variant alters second to the end of the exon nucleotide, but 5/5 splice prediction tools predict no significant impact on normal splicing. ESE finder predicts that this variant may affect multiple ESE sites. However, these predictions have yet to be confirmed by functional studies. This variant is absent from population datasets of ExAC and gnomAD (118356 and 240660 chrs tested respectively). The variant of interest has not, to our knowledge, been reported in affected individuals via publications and/or reputable databases/clinical diagnostic laboratories. Due to the absence of clinical information and lack of functional studies, the variant is classified as a variant of uncertain significance (VUS) until additional information becomes available.

NM_000179.3(MSH6):c.3171G>T (p.Leu1057Phe)

Gene: MSH6 (mutS homolog 6; plus strand). Cytogenetic location: 2p16.3.
Variant type: single nucleotide variant.
Coding change: c.3171G>T on transcript NM_000179.3 (MANE Select); coding-DNA position 3171, G replaced by T.
Protein change: p.Leu1057Phe; replaces leucine 1057 with phenylalanine.
Molecular consequence: missense variant.
Genome position (GRCh38, 1-based): chr2:47,801,154, G>T. VCF-style: chr2-47801154-G-T. GRCh37 (hg19) VCF-style: chr2-48028293-G-T.
Other names: c.2781G>T, p.Leu927Phe (NM_001281492.2); c.2265G>T, p.Leu755Phe (NM_001281493.2, NM_001281494.2); short protein forms L1057F, L755F, L927F.
Identifiers: ClinVar variation 495711 (VCV000495711.4), dbSNP rs1553414599, ClinGen allele CA346756749.